The following is an entry in ClinVar:

NM_001365276.2(TNXB):c.316C>T (p.Arg106Cys)

Gene: TNXB (tenascin XB; minus strand). Cytogenetic location: 6p21.33.
Variant type: single nucleotide variant.
Coding change: c.316C>T on transcript NM_001365276.2 (MANE Select); coding-DNA position 316, C replaced by T.
Protein change: p.Arg106Cys; replaces arginine 106 with cysteine.
Molecular consequence: missense variant.
Genome position (GRCh38, 1-based): chr6:32,097,883, G>A on the plus strand (C>T on the coding strand, the complement: TNXB is on the minus strand). VCF-style: chr6-32097883-G-A. GRCh37 (hg19) VCF-style: chr6-32065660-G-A.
Other names: c.316C>T, p.Arg106Cys (NM_019105.8); short protein forms R106C.
Identifiers: ClinVar variation 1728410 (VCV001728410.2), dbSNP rs1189846234, ClinGen allele CA363491698.

ClinVar aggregate classification (germline): Uncertain significance (1 of 4 stars; one submission).

Conditions:
Cardiovascular phenotype. Identifiers: MedGen CN230736.

Submission:

Ambry Genetics
Classification: Uncertain significance for Cardiovascular phenotype. Last evaluated: 2022-01-19. Review status: criteria provided, single submitter. Criteria: Ambry Variant Classification Scheme 2023. Collection method: clinical testing. Allele origin: germline.
Comment: The p.R106C variant (also known as c.316C>T), located in coding exon 1 of the TNXB gene, results from a C to T substitution at nucleotide position 316. The arginine at codon 106 is replaced by cysteine, an amino acid with highly dissimilar properties. This amino acid position is conserved. In addition, this alteration is predicted to be deleterious by in silico analysis. Since supporting evidence is limited at this time, the clinical significance of this alteration remains unclear.